The following is an entry in ClinVar:

NM_001365536.1(SCN9A):c.3130G>C (p.Ala1044Pro)

Genes: SCN9A (sodium voltage-gated channel alpha subunit 9; minus strand), SCN1A-AS1 (SCN1A and SCN9A antisense RNA 1; plus strand). Cytogenetic location: 2q24.3.
Variant type: single nucleotide variant.
Coding change: c.3130G>C on transcript NM_001365536.1 (MANE Select); coding-DNA position 3130, G replaced by C.
Protein change: p.Ala1044Pro; replaces alanine 1044 with proline.
Molecular consequence: missense variant.
Genome position (GRCh38, 1-based): chr2:166,272,620, C>G on the plus strand (G>C on the coding strand, the complement: SCN9A is on the minus strand). VCF-style: chr2-166272620-C-G. GRCh37 (hg19) VCF-style: chr2-167129130-C-G.
Other names: c.3097G>C, p.Ala1033Pro (NM_002977.4); short protein forms A1033P, A1044P.
Identifiers: ClinVar variation 1357222 (VCV001357222.8), dbSNP rs1697049639, ClinGen allele CA349073726.

ClinVar aggregate classification (germline): Uncertain significance (1 of 4 stars; one submission).

Conditions:
Generalized epilepsy with febrile seizures plus, type 7 (GEFSP7). Also called: GEFS+, TYPE 7. Identifiers: Orphanet 36387, MedGen C2751778, MONDO:0013470, OMIM 613863.
Neuropathy, hereditary sensory and autonomic, type 2A (HSAN2A). Also called: HSAN IIA; NEUROPATHY, CONGENITAL SENSORY; NEUROPATHY, HEREDITARY SENSORY RADICULAR, AUTOSOMAL RECESSIVE; NEUROPATHY, HEREDITARY SENSORY, TYPE IIA; NEUROPATHY, PROGRESSIVE SENSORY, OF CHILDREN; MORVAN DISEASE. Identifiers: Orphanet 970, MedGen C2752089, MONDO:0024309, OMIM 201300.

Allele frequency attached by ClinVar (database versions not stated): gnomAD 0.00001.
gnomAD v4.1: 1 of 1,613,174 alleles (0.000062%); highest among the groups gnomAD compares: Admixed American, 0.0017%; no homozygotes.

Submission:

Labcorp Genetics (formerly Invitae), Labcorp
Classification: Uncertain significance for Neuropathy, hereditary sensory and autonomic, type 2A; Generalized epilepsy with febrile seizures plus, type 7. Last evaluated: 2021-04-04. Review status: criteria provided, single submitter. Criteria: Invitae Variant Classification Sherloc (09022015). Collection method: clinical testing. Allele origin: germline.
Comment: In summary, the available evidence is currently insufficient to determine the role of this variant in disease. Therefore, it has been classified as a Variant of Uncertain Significance. Algorithms developed to predict the effect of missense changes on protein structure and function are either unavailable or do not agree on the potential impact of this missense change (SIFT: "Tolerated"; PolyPhen-2: "Probably Damaging"; Align-GVGD: "Class C0"). This variant has not been reported in the literature in individuals with SCN9A-related conditions. This variant is not present in population databases (ExAC no frequency). This sequence change replaces alanine with proline at codon 1033 of the SCN9A protein (p.Ala1033Pro). The alanine residue is highly conserved and there is a small physicochemical difference between alanine and proline.